The following is an entry in ClinVar:

NM_001202.6(BMP4):c.-365C>G

Genes: BMP4 (bone morphogenetic protein 4; minus strand), LOC109433677 (BMP4 promoter region; plus strand). Cytogenetic location: 14q22.2.
Variant type: single nucleotide variant.
Coding change: c.-365C>G on transcript NM_001202.6 (MANE Select); 365 bases upstream of the start codon, C replaced by G.
Molecular consequence: 5 prime UTR variant. On other transcripts: missense variant (1).
Genome position (GRCh38, 1-based): chr14:53,956,782, G>C on the plus strand (C>G on the coding strand, the complement: BMP4 is on the minus strand). VCF-style: chr14-53956782-G-C. GRCh37 (hg19) VCF-style: chr14-54423500-G-C.
Other names: c.39C>G, p.Ser13Arg (NM_001347912.1); c.-501C>G (NM_001347913.2); c.-156C>G (NM_130850.5); short protein forms S13R.
Identifiers: ClinVar variation 3044168 (VCV003044168.3), dbSNP rs918755710, ClinGen allele CA2740097080.
Genomic context (GRCh38, chr14:53,956,782, plus strand): 5'-TCAGGCTCGCGTCCCTCAGCTCGGATGCCACACTCACCTAGCTTCCGGGCCGGGCTCCGC[G>C]CTCCTTCCCTCCCTCCCTCCTCCTCTGCCTTCTCGCATCTTCCTTCCTCCTCTTTCCCTC-3'

ClinVar aggregate classification (germline): Uncertain significance (1 of 4 stars; one submission).

Conditions:
BMP4-related disorder. Also called: BMP4-related condition.

Submission:

PreventionGenetics, part of Exact Sciences
Classification: Uncertain significance for BMP4-related condition. Last evaluated: 2025-10-15. Review status: criteria provided, single submitter. Criteria: ACMG Guidelines, 2015. Collection method: clinical testing. Allele origin: germline.
Comment: The BMP4 c.39C>G variant is predicted to result in the amino acid substitution p.Ser13Arg. This variant is referred to as c.-365C>G (pre-coding) in an alternate transcript NM_001202. To our knowledge, this variant has not been reported in the literature or in a large population database (gnomAD), indicating this variant is rare. At this time, the clinical significance of this variant is uncertain due to the absence of conclusive functional and genetic evidence.